The following is an entry in ClinVar:

NM_001370259.2(MEN1):c.770TGCAGC[3] (p.257LQ[3])

Gene: MEN1 (menin 1; minus strand). Cytogenetic location: 11q13.1.
Variant type: Microsatellite.
Coding change: c.770TGCAGC[3] on transcript NM_001370259.2 (MANE Select); three copies in a row of the 6-base unit TGCAGC starting at c.770; the reference has two copies in a row; one copy, 6 bases duplicated.
Protein change: p.257LQ[3].
Molecular consequence: inframe insertion.
Genome position (GRCh38, 1-based): chr11:64,807,554-64,807,559, GCTGCA duplicated on the plus strand (TGCAGC on the coding strand, the reverse complement: MEN1 is on the minus strand); duplicating any 6 consecutive bases within chr11:64,807,554-64,807,566 gives the same sequence; the position shown is the placement nearest the transcript's 3' end. VCF-style (leftmost placement, unchanged base first): chr11-64807553-T-TGCTGCA. GRCh37 (hg19) VCF-style: chr11-64575025-T-TGCTGCA.
Other names: c.776_781dup (NM_130799.2); c.785TGCAGC[3], p.262LQ[3] (NM_000244.4, NM_130800.3, NM_130801.3 and 3 more transcripts); c.770TGCAGC[3], p.257LQ[3] (NM_001370251.2, NM_001370260.2, NM_001370261.2 and 1 more transcripts); c.665TGCAGC[3], p.222LQ[3] (NM_001370262.2, NM_001370263.2).
Identifiers: ClinVar variation 527275 (VCV000527275.11), dbSNP rs1555165485, ClinGen allele CA658797672.

ClinVar aggregate classification (germline): Pathogenic. Review status: criteria provided, single submitter (1 of 4 stars). 2 submissions from 2 submitters: Pathogenic (1). 1 of the submissions does not count toward it. Last evaluated 2023-10-03.

Conditions:
Multiple endocrine neoplasia, type 1 (MEN1). Also called: MEN I; WERMER SYNDROME; Endocrine adenomatosis multiple; MEN 1; MEA I. Identifiers: Orphanet 652, MedGen C0025267, MeSH D018761, MONDO:0007540, OMIM 131100.

Submissions (2):

Labcorp Genetics (formerly Invitae), Labcorp
Classification: Pathogenic for Multiple endocrine neoplasia, type 1. Last evaluated: 2023-10-03. Review status: criteria provided, single submitter. Criteria: Invitae Variant Classification Sherloc (09022015). Collection method: clinical testing. Allele origin: germline.
Comment: This variant, c.776_781dup, results in the insertion of 2 amino acid(s) of the MEN1 protein (p.Leu259_Gln260dup), but otherwise preserves the integrity of the reading frame. This variant is not present in population databases (gnomAD no frequency). This variant has been observed in individuals with clinical features of multiple endocrine neoplasia type 1 (PMID: 12417605; Invitae). It has also been observed to segregate with disease in related individuals. ClinVar contains an entry for this variant (Variation ID: 527275). Experimental studies and prediction algorithms are not available or were not evaluated, and the functional significance of this variant is currently unknown. For these reasons, this variant has been classified as Pathogenic.

OMIM
Classification: Pathogenic for MULTIPLE ENDOCRINE NEOPLASIA, TYPE I. Last evaluated: 2002-09-01. Review status: no assertion criteria provided. Collection method: literature only. Allele origin: germline. Not counted in ClinVar's aggregate classification.

Literature cited by the submitters: PubMed 12417605 (cited by Labcorp Genetics (formerly Invitae), Labcorp and OMIM).